The following is an entry in ClinVar:

NM_001378183.1(PIEZO2):c.7112G>C (p.Gly2371Ala)

Gene: PIEZO2 (piezo type mechanosensitive ion channel component 2; minus strand). Cytogenetic location: 18p11.22.
Variant type: single nucleotide variant.
Coding change: c.7112G>C on transcript NM_001378183.1 (MANE Select); coding-DNA position 7112, G replaced by C.
Protein change: p.Gly2371Ala; replaces glycine 2371 with alanine.
Molecular consequence: missense variant.
Genome position (GRCh38, 1-based): chr18:10,696,152, C>G on the plus strand (G>C on the coding strand, the complement: PIEZO2 is on the minus strand). VCF-style: chr18-10696152-C-G. GRCh37 (hg19) VCF-style: chr18-10696150-C-G.
Other names: c.6848G>C, p.Gly2283Ala (NM_001410871.1); c.6773G>C, p.Gly2258Ala (NM_022068.4); short protein forms G2258A, G2283A, G2371A.
Identifiers: ClinVar variation 4883529 (VCV004883529.2).
Genomic context (GRCh38, chr18:10,696,152, plus strand): 5'-AAGATGAAGAACATCCAGAAGTGAATTCCGAACACAAGAATGACCTGGAAGATGACCTTT[C>G]CCAGTACAGTCTTCCTGAGGTAGAGGGCTCGGTCCACCACCATGGTTCCAAACTGAATGA-3'
Protein context (NP_001365112.1, residues 2361-2381): RALYLRKTVL[Gly2371Ala]KVIFQVILVF

ClinVar aggregate classification (germline): Uncertain significance (1 of 4 stars; one submission).

Conditions:
Gordon syndrome (DA3). Also called: ARTHROGRYPOSIS MULTIPLEX CONGENITA, DISTAL, TYPE IIA; CAMPTODACTYLY, CLEFT PALATE, AND CLUBFOOT; Gordon's syndrome. Identifiers: Orphanet 376, MedGen C0220666, MONDO:0007252, OMIM 114300.

gnomAD v4.1: 1 of 1,614,042 alleles (0.000062%); highest among the groups gnomAD compares: African/African-American, 0.0013%; no homozygotes.

Submission:

Dasa
Classification: Uncertain significance for Gordon syndrome. Last evaluated: 2026-01-15. Review status: criteria provided, single submitter. Criteria: DASA Assertion Criteria. Collection method: clinical testing. Allele origin: germline.
Comment: NM_001378183.1(PIEZO2):c.7112G>C (p.Gly2371Ala) is a missense variant that results in the substitution of glycine with alanine. This variant is rare in population databases. Computational prediction algorithms are consistent with a deleterious effect. The currently available literature and clinical evidence are not sufficient to establish a definitive association between this variant and the reported condition. Therefore, this variant is classified as a variant of uncertain significance.